The following continues an entry in ClinVar:

NM_020975.6(RET):c.2410G>C (p.Val804Leu)

Gene: RET. ClinVar aggregate classification (germline): Pathogenic/Likely pathogenic. Pathogenic (9); Likely pathogenic (2).

Submissions 7 to 11 of 11:

Ambry Genetics
Classification: Pathogenic for Hereditary cancer-predisposing syndrome. Last evaluated: 2024-05-21. Review status: criteria provided, single submitter. Criteria: Ambry Variant Classification Scheme 2023. Collection method: clinical testing. Allele origin: germline.
Comment: The p.V804L pathogenic mutation (also known as c.2410G>C), located in coding exon 14 of the RET gene, results from a G to C substitution at nucleotide position 2410. The valine at codon 804 is replaced by leucine, an amino acid with highly similar properties. This alteration occurs in the ATP binding pocket of the tyrosine-kinase domain of the RET receptor, and has been reported as a pathogenic mutation associated with both FMTC and MEN2A (Bolino A et al. Oncogene, 1995 Jun;10:2415-9; Frohnauer MK et al. Surgery, 2000 Dec;128:1052-7;discussion 1057-8; Learoyd DL et al. Clin. Endocrinol. (Oxf), 2005 Dec;63:636-41; Maciel RMB et al. Endocr Connect, 2019 03;8:289-298). Functional studies demonstrate that p.V804L transfected cells exhibit an increase in the level of tyrosine phosphorylation compared to wildtype in one RET isoform, supporting its oncogenic potential (Pasini A et al. Oncogene 1997 Jul;15(4):393-402). In addition, expression studies demonstrate that p.V804L has a low transforming activity compared to other RET mutations. Transforming activity is associated with clinical phenotype; mutations with low transforming activity are associated with a milder MEN2/FMTC phenotype compared to mutations with high transforming activity that are associated with a more severe MEN2B phenotype (Iwashita T et al. Oncogene 1999 Jul;18(26):3919-22). The American Thyroid Association has designated alterations at this codon occurring without additional RET mutations as moderate risk mutations (Wells SA et al. Thyroid. 2015 Jun;25(6):567-610; Kloos et al. Thyroid. 2009 June; 19(6):565-612). Based on the supporting evidence, this alteration is interpreted as a disease-causing mutation.

Myriad Genetics, Inc.
Classification: Pathogenic for Multiple endocrine neoplasia type 2A. Last evaluated: 2024-03-12. Review status: criteria provided, single submitter. Criteria: Myriad Autosomal Dominant, Autosomal Recessive and X-Linked Classification Criteria (2023). Collection method: clinical testing. Allele origin: unknown.
Comment: This variant is considered pathogenic. Functional studies indicate this variant impacts protein function [PMID: 9242375]. This variant has been reported in multiple individuals with clinical features of gene-specific disease [PMID: 20497437, 16343097, 11932300, 25810047].

GeneDx
Classification: Pathogenic. Last evaluated: 2023-10-16. Review status: criteria provided, single submitter. Criteria: GeneDx Variant Classification Process June 2021. Collection method: clinical testing. Allele origin: germline. Affected: yes.
Comment: Published functional studies demonstrate a damaging effect: increased transforming activity and autophosphorylation ability (Carlomagno et al., 2004; Iwashita et al., 1999; Pasini et al., 1997); Not observed at significant frequency in large population cohorts (gnomAD); In silico analysis supports that this missense variant does not alter protein structure/function; This variant is associated with the following publications: (PMID: 9879991, 10445857, 16532227, 11114642, 14718397, 9384613, 26247112, 20516206, 16865647, 10235148, 23705946, 18322301, 9242375, 15741265, 20497437, 16343097, 26269449, 25810047, 7784092, 18058472, 14633923, 11932300, 15184865, 30763276)

Women's Health and Genetics/Laboratory Corporation of America, LabCorp
Classification: Pathogenic for MEN2 phenotype: Unclassified. Last evaluated: 2023-03-06. Review status: criteria provided, single submitter. Criteria: LabCorp Variant Classification Summary - May 2015. Collection method: clinical testing. Allele origin: germline.
Comment: Variant summary: RET c.2410G>C (p.Val804Leu) results in a conservative amino acid change located in the Protein kinase domain (IPR000719) of the encoded protein sequence. Four of five in-silico tools predict a damaging effect of the variant on protein function. The variant was absent in 232600 control chromosomes (gnomAD). c.2410G>C has been reported in the literature in multiple individuals affected with Medullary Thyroid Carcinoma and Multiple Endocrine Neoplasia (example: Lombardo_2002, Paszko_2007, and Maciel_2019). These data indicate that the variant is very likely to be associated with disease. Four clinical diagnostic laboratories have submitted clinical-significance assessments for this variant to ClinVar after 2014 and all classified the variant as pathogenic/likely pathogenic. Based on the evidence outlined above, the variant was classified as pathogenic.

CeGaT Center for Human Genetics Tuebingen
Classification: Pathogenic. Last evaluated: 2020-10-01. Review status: criteria provided, single submitter. Criteria: CeGaT Center For Human Genetics Tuebingen Variant Classification Criteria Version 2. Collection method: clinical testing. Allele origin: germline. Affected: yes. Observed: 1 variant allele.

Literature cited by the submitters: PubMed 7784092 (cited by Labcorp Genetics (formerly Invitae), Labcorp and Ambry Genetics); PubMed 10235148 (cited by Labcorp Genetics (formerly Invitae), Labcorp); PubMed 14718397 (cited by Labcorp Genetics (formerly Invitae), Labcorp and Ambry Genetics); PubMed 15741265 (cited by Labcorp Genetics (formerly Invitae), Labcorp); PubMed 16343097 (cited by 3 submitters); PubMed 18058472 (cited by Labcorp Genetics (formerly Invitae), Labcorp and Women's Health and Genetics/Laboratory Corporation of America, LabCorp); PubMed 26269449 (cited by Labcorp Genetics (formerly Invitae), Labcorp); PubMed 9242375 (cited by 4 submitters); PubMed 10445857 (cited by 3 submitters); PubMed 11114642 (cited by 3 submitters); PubMed 26046350 (cited by Color Diagnostics, LLC DBA Color Health and All of Us Research Program, National Institutes of Health); PubMed 28946813 (cited by Color Diagnostics, LLC DBA Color Health and All of Us Research Program, National Institutes of Health); PubMed 20497437 (cited by Ambry Genetics and Myriad Genetics, Inc.); PubMed 25810047 (cited by Ambry Genetics and Myriad Genetics, Inc.); PubMed 30763276 (cited by Ambry Genetics and Women's Health and Genetics/Laboratory Corporation of America, LabCorp); PubMed 11932300 (cited by Myriad Genetics, Inc. and Women's Health and Genetics/Laboratory Corporation of America, LabCorp).